The following is an entry in ClinVar:

NM_001365999.1(SZT2):c.3803G>A (p.Arg1268Gln)

Gene: SZT2 (SZT2 subunit of KICSTOR complex; plus strand). Cytogenetic location: 1p34.2.
Variant type: single nucleotide variant.
Coding change: c.3803G>A on transcript NM_001365999.1 (MANE Select); coding-DNA position 3803, G replaced by A.
Protein change: p.Arg1268Gln; replaces arginine 1268 with glutamine.
Molecular consequence: missense variant.
Genome position (GRCh38, 1-based): chr1:43,427,734, G>A. VCF-style: chr1-43427734-G-A. GRCh37 (hg19) VCF-style: chr1-43893405-G-A.
Other names: c.3632G>A, p.Arg1211Gln (NM_015284.4); c.3632G>A (NM_015284.3); short protein forms R1211Q, R1268Q.
Identifiers: ClinVar variation 1026251 (VCV001026251.11), dbSNP rs374924388, ClinGen allele CA809091.

ClinVar aggregate classification (germline): Uncertain significance. Review status: criteria provided, multiple submitters, no conflicts (2 of 4 stars). 2 submissions from 2 submitters: Uncertain significance (2). Last evaluated 2025-05-15.

Conditions:
Inborn genetic diseases. Identifiers: MedGen C0950123, MeSH D030342.

Allele frequency attached by ClinVar (database versions not stated): TOPMed below 0.00001; ExAC 0.00001; gnomAD exomes 0.00001; ESP Exome Variant Server 0.00008.
gnomAD v4.1: 7 of 1,612,832 alleles (0.00043%); highest among the groups gnomAD compares: South Asian, 0.0022%; no homozygotes.

Submissions (3):

Ambry Genetics
Classification: Uncertain significance for Inborn genetic diseases. Last evaluated: 2025-05-15. Review status: criteria provided, single submitter. Criteria: Ambry Variant Classification Scheme 2023. Collection method: clinical testing. Allele origin: germline.
Comment: The c.3632G>A (p.R1211Q) alteration is located in exon 25 (coding exon 25) of the SZT2 gene. This alteration results from a G to A substitution at nucleotide position 3632, causing the arginine (R) at amino acid position 1211 to be replaced by a glutamine (Q). Based on data from gnomAD, the A allele has an overall frequency of 0.001% (2/249868) total alleles studied. The highest observed frequency was 0.003% (1/30568) of South Asian alleles. This variant has been identified in conjunction with another SZT2 variant in at least one individual with features consistent with SZT2-related developmental and epileptic encephalopathy; in at least once instance, the variants were identified in trans (Iodice, 2019). This nucleotide position is well conserved in available vertebrate species and this amino acid position is well conserved in available vertebrate species. This alteration is predicted to be tolerated by in silico analysis. In silico splice site analysis for this alteration is inconclusive. Based on insufficient or conflicting evidence, the clinical significance of this alteration remains unclear.

Labcorp Genetics (formerly Invitae), Labcorp
Classification: Uncertain significance. Last evaluated: 2020-06-16. Review status: criteria provided, single submitter. Criteria: Invitae Variant Classification Sherloc (09022015). Collection method: clinical testing. Allele origin: germline.
Comment: This variant has been observed in individual(s) with epileptic encephalopathy (PMID: 31146092). In at least one individual the data is consistent with the variant being in trans (on the opposite chromosome) from a pathogenic variant. Algorithms developed to predict the effect of missense changes on protein structure and function output the following: SIFT: "Deleterious"; PolyPhen-2: "Possibly Damaging"; Align-GVGD: "Class C0". The glutamine amino acid residue is found in multiple mammalian species, suggesting that this missense change does not adversely affect protein function. These predictions have not been confirmed by published functional studies and their clinical significance is uncertain. Nucleotide substitutions within the consensus splice site are a relatively common cause of aberrant splicing (PMID: 17576681, 9536098). Algorithms developed to predict the effect of sequence changes on RNA splicing suggest that this variant may disrupt the consensus splice site, but this prediction has not been confirmed by published transcriptional studies. In summary, the available evidence is currently insufficient to determine the role of this variant in disease. Therefore, it has been classified as a Variant of Uncertain Significance. This variant is present in population databases (rs374924388, ExAC 0.002%). This sequence change replaces arginine with glutamine at codon 1211 of the SZT2 protein (p.Arg1211Gln). The arginine residue is highly conserved and there is a small physicochemical difference between arginine and glutamine. This variant also falls at the last nucleotide of exon 25 of the SZT2 coding sequence, which is part of the consensus splice site for this exon.

Dr. Peter K. Rogan Lab, Western University
No classification provided (evidence only). Condition: Colon adenocarcinoma. Review status: no classification provided. Collection method: in vitro. Allele origin: not applicable. Functional consequence: retained intron. Not counted in ClinVar's aggregate classification.

Literature cited by the submitters: PubMed 31146092 (cited by Ambry Genetics and Labcorp Genetics (formerly Invitae), Labcorp); PubMed 17576681 (cited by Labcorp Genetics (formerly Invitae), Labcorp); PubMed 9536098 (cited by Labcorp Genetics (formerly Invitae), Labcorp).